The following is an entry in ClinVar:

NM_133171.5(ELMO2):c.1065+1G>T

Gene: ELMO2 (engulfment and cell motility 2; minus strand). Cytogenetic location: 20q13.12.
Variant type: single nucleotide variant.
Coding change: c.1065+1G>T on transcript NM_133171.5 (MANE Select); the canonical splice donor site of the intron after coding-DNA position 1065, G replaced by T.
Molecular consequence: splice donor variant.
Genome position (GRCh38, 1-based): chr20:46,375,235, C>A on the plus strand (G>T on the coding strand, the complement: ELMO2 is on the minus strand). VCF-style: chr20-46375235-C-A. GRCh37 (hg19) VCF-style: chr20-45003874-C-A.
Other names: c.1065+1G>T (NM_182764.3); c.801+1G>T (NM_001318253.2).
Identifiers: ClinVar variation 1705510 (VCV001705510.1), dbSNP rs768410753, ClinGen allele CA409253357.
Genomic context (GRCh38, chr20:46,375,235, plus strand): 5'-GGACCATTGACTTCCCATCAGGGGAGAGGGCCTACCACCGTCTATGCTCTGAGGTACTTA[C>A]GGTAAATCCCAGCATTTTGTAGTCCTTTGTGTACATGGCTTTGCGTTTTTCGGTCCCACT-3'

ClinVar aggregate classification (germline): Pathogenic (1 of 4 stars; one submission).

Conditions:
Primary intraosseous venous malformation. Also called: VASCULAR MALFORMATION OSSEOUS; Vascular malformation, primary intraosseous; HEMANGIOMA, INTRAOSSEOUS. Identifiers: Orphanet 140436, MedGen C1847197, MONDO:0011744, OMIM 606893.

Submission:

3billion
Classification: Pathogenic for Primary intraosseous venous malformation. Last evaluated: 2022-09-01. Review status: criteria provided, single submitter. Criteria: ACMG Guidelines, 2015. Collection method: clinical testing. Allele origin: germline. Affected: yes. Observed: 1 homozygote.
Comment: The variant is not observed in the gnomAD v2.1.1 dataset. Canonical splice site is predicted to alter splicing and result in a loss or disruption of normal protein function. Multiple pathogenic loss-of-function variants are reported downstream of the variant. Therefore, this variant is classified as Pathogenic according to the recommendation of ACMG/AMP guideline.